The following is an entry in ClinVar:

NM_007074.4(CORO1A):c.1142G>C (p.Gly381Ala)

Gene: CORO1A (coronin 1A; plus strand). Cytogenetic location: 16p11.2.
Variant type: single nucleotide variant.
Coding change: c.1142G>C on transcript NM_007074.4 (MANE Select); coding-DNA position 1142, G replaced by C.
Protein change: p.Gly381Ala; replaces glycine 381 with alanine.
Molecular consequence: missense variant.
Genome position (GRCh38, 1-based): chr16:30,188,437, G>C. VCF-style: chr16-30188437-G-C. GRCh37 (hg19) VCF-style: chr16-30199758-G-C.
Other names: p.Gly381Ala; c.1142G>C, p.Gly381Ala (NM_001193333.3); short protein forms G381A.
Identifiers: ClinVar variation 2683356 (VCV002683356.1), dbSNP rs1234176581, ClinGen allele CA395498957.

ClinVar aggregate classification (germline): Uncertain significance (1 of 4 stars; one submission).

Allele frequency attached by ClinVar (database versions not stated): gnomAD exomes below 0.00001; gnomAD 0.00001.
gnomAD v4.1: 4 of 1,613,440 alleles (0.00025%); highest among the groups gnomAD compares: South Asian, 0.0044%; no homozygotes.

Submission:

Mayo Clinic Laboratories, Mayo Clinic
Classification: Uncertain significance. Last evaluated: 2023-05-11. Review status: criteria provided, single submitter. Criteria: ACMG Guidelines, 2015. Collection method: clinical testing. Allele origin: germline. Observed: 1 variant allele.
Comment: BP4, PM2_supporting